The following is an entry in ClinVar:

ClinVar aggregate classification (germline): Conflicting classifications of pathogenicity. Review status: criteria provided, conflicting classifications (1 of 4 stars). 2 submissions from 2 submitters: Uncertain significance (1); Likely benign (1). Last evaluated 2025-05-11.

Allele frequency attached by ClinVar (database versions not stated): gnomAD 0.00004; gnomAD exomes 0.00005 and 0.00006; TOPMed 0.00005; ExAC 0.00007; ESP Exome Variant Server 0.00023.
gnomAD v4.1: 86 of 1,569,094 alleles (0.0055%); highest among the groups gnomAD compares: Non-Finnish European, 0.0074%; no homozygotes.

Submissions (2):

Labcorp Genetics (formerly Invitae), Labcorp
Classification: Uncertain significance. Last evaluated: 2025-05-11. Review status: criteria provided, single submitter. Criteria: Invitae Variant Classification Sherloc (09022015). Collection method: clinical testing. Allele origin: germline.
Comment: This sequence change falls in intron 5 of the POMP gene. It does not directly change the encoded amino acid sequence of the POMP protein. It affects a nucleotide within the consensus splice site. This variant is present in population databases (rs374402169, gnomAD 0.008%). This variant has not been reported in the literature in individuals affected with POMP-related conditions. ClinVar contains an entry for this variant (Variation ID: 1524474). Variants that disrupt the consensus splice site are a relatively common cause of aberrant splicing (PMID: 17576681, 9536098). Algorithms developed to predict the effect of sequence changes on RNA splicing suggest that this variant is not likely to affect RNA splicing. In summary, the available evidence is currently insufficient to determine the role of this variant in disease. Therefore, it has been classified as a Variant of Uncertain Significance.

CeGaT Center for Human Genetics Tuebingen
Classification: Likely benign. Last evaluated: 2025-04-01. Review status: criteria provided, single submitter. Criteria: CeGaT Center For Human Genetics Tuebingen Variant Classification Criteria Version 2. Collection method: clinical testing. Allele origin: germline. Affected: yes. Observed: 1 variant allele.
Comment: POMP: BP4

Literature cited by the submitters: PubMed 17576681 (cited by Labcorp Genetics (formerly Invitae), Labcorp); PubMed 9536098 (cited by Labcorp Genetics (formerly Invitae), Labcorp).

NM_015932.6(POMP):c.358+4A>G

Gene: POMP (proteasome maturation protein; plus strand). Cytogenetic location: 13q12.3.
Variant type: single nucleotide variant.
Coding change: c.358+4A>G on transcript NM_015932.6 (MANE Select); 4 bases into the intron after coding-DNA position 358, A replaced by G.
Molecular consequence: intron variant.
Genome position (GRCh38, 1-based): chr13:28,672,436, A>G. VCF-style: chr13-28672436-A-G. GRCh37 (hg19) VCF-style: chr13-29246573-A-G.
Identifiers: ClinVar variation 1524474 (VCV001524474.16), dbSNP rs374402169, ClinGen allele CA6931095.